The following is an entry in ClinVar:

NC_000003.12:g.(?_167684288)_(167687713_?)del

Gene: PDCD10 (programmed cell death 10; minus strand). Cytogenetic location: 3q26.1.
Variant type: Deletion.
Identifiers: ClinVar variation 832908 (VCV000832908.1).

ClinVar aggregate classification (germline): Pathogenic (1 of 4 stars; one submission).

Conditions:
Cerebral cavernous malformation 3. Also called: Familial Cerebral Cavernous Malformation 3. Identifiers: Orphanet 221061, MedGen C1864040, MONDO:0011305, OMIM 603285.

Submission:

Labcorp Genetics (formerly Invitae), Labcorp
Classification: Pathogenic for Cerebral cavernous malformations 3. Last evaluated: 2019-12-11. Review status: criteria provided, single submitter. Criteria: Invitae Variant Classification Sherloc (09022015). Collection method: clinical testing. Allele origin: germline.
Comment: This variant is a gross deletion of the genomic region encompassing exons 6-8 of the PDCD10 gene. The 5' boundary is likely confined to intron 5. The 3' end of this event is unknown as it extends through the termination codon beyond the assayed region for this gene and may encompass additional genes. While this deletion is not anticipated to result in nonsense mediated decay, it is expected to create a truncated protein product or disrupt mRNA translation. Similar deletions have been observed in individual(s) referred for testing of cerebral cavernous malformation genes (PMID: 23595507, 23801932). This variant is also referred to as a deletion of exons 7-9 of CCM3 in the literature (PMID: 23595507). This variant disrupts the C-terminus of the PDCD10 protein. Other variant(s) that disrupt this region (p.Arg196*) have been determined to be pathogenic (PMID: 15543491). This suggests that variants that disrupt this region of the protein are likely to be causative of disease. For these reasons, this variant has been classified as Pathogenic.

Literature cited by the submitters: PubMed 15543491; PubMed 23801932; PubMed 23595507.